The following is an entry in ClinVar:

NM_021930.6(RINT1):c.1294G>A (p.Glu432Lys)

Gene: RINT1 (RAD50 interactor 1; plus strand). Cytogenetic location: 7q22.3.
Variant type: single nucleotide variant.
Coding change: c.1294G>A on transcript NM_021930.6 (MANE Select); coding-DNA position 1294, G replaced by A.
Protein change: p.Glu432Lys; replaces glutamic acid 432 with lysine.
Molecular consequence: missense variant. On other transcripts: non-coding transcript variant (1).
Genome position (GRCh38, 1-based): chr7:105,550,447, G>A. VCF-style: chr7-105550447-G-A. GRCh37 (hg19) VCF-style: chr7-105190894-G-A.
Other names: c.1060G>A, p.Glu354Lys (NM_001346599.2); c.271G>A, p.Glu91Lys (NM_001346600.2, NM_001346603.2); c.370G>A, p.Glu124Lys (NM_001346601.2); short protein forms E432K, E91K, E124K, E354K.
Identifiers: ClinVar variation 5028272 (VCV005028272.1).

ClinVar aggregate classification (germline): Uncertain significance (1 of 4 stars; one submission).

Submission:

Ambry Genetics
Classification: Uncertain significance. Last evaluated: 2026-07-04. Review status: criteria provided, single submitter. Criteria: Ambry Variant Classification Scheme 2023. Collection method: clinical testing. Allele origin: germline.
Comment: The p.E432K variant (also known as c.1294G>A), located in coding exon 9 of the RINT1 gene, results from a G to A substitution at nucleotide position 1294. The glutamic acid at codon 432 is replaced by lysine, an amino acid with similar properties. This amino acid position is conserved. In addition, this alteration is predicted to be tolerated by in silico analysis. Based on the available evidence, the clinical significance of this variant remains unclear.